The following is an entry in ClinVar:

ClinVar aggregate classification (germline): Benign. Review status: criteria provided, multiple submitters, no conflicts (2 of 4 stars). 4 submissions from 4 submitters: Benign (3). 1 of the submissions does not count toward it. Last evaluated 2026-01-27.

Conditions:
PIGB-related disorder. Also called: PIGB-related condition.

Allele frequency attached by ClinVar (database versions not stated): gnomAD exomes 0.00098 and 0.00040; ExAC 0.00159; gnomAD 0.00437 and 0.00464; ESP Exome Variant Server 0.00455; TOPMed 0.00456; 1000 Genomes Project 30x 0.00468; 1000 Genomes Project 0.00499.
gnomAD v4.1: 1,260 of 1,611,128 alleles (0.078%); highest among the groups gnomAD compares: African/African-American, 1.5%; 11 homozygotes.

Submissions (4):

Labcorp Genetics (formerly Invitae), Labcorp
Classification: Benign. Last evaluated: 2026-01-27. Review status: criteria provided, single submitter. Criteria: Invitae Variant Classification Sherloc (09022015). Collection method: clinical testing. Allele origin: germline.

CeGaT Center for Human Genetics Tuebingen
Classification: Benign. Last evaluated: 2023-05-01. Review status: criteria provided, single submitter. Criteria: CeGaT Center For Human Genetics Tuebingen Variant Classification Criteria Version 2. Collection method: clinical testing. Allele origin: germline. Affected: yes. Observed: 1 variant allele.
Comment: PIGB: BP4, BS1, BS2

Breakthrough Genomics
Classification: Benign. Review status: criteria provided, single submitter. Criteria: ACMG Guidelines, 2015. Collection method: not provided. Allele origin: germline. Inheritance: Autosomal recessive inheritance. Affected: yes.

PreventionGenetics, part of Exact Sciences
Classification: Benign for PIGB-related condition. Last evaluated: 2020-02-14. Review status: no assertion criteria provided. Collection method: clinical testing. Allele origin: germline. Not counted in ClinVar's aggregate classification.
Comment: This variant is classified as benign based on ACMG/AMP sequence variant interpretation guidelines (Richards et al. 2015 PMID: 25741868, with internal and published modifications).

NM_004855.5(PIGB):c.1504A>G (p.Ser502Gly)

Gene: PIGB (phosphatidylinositol glycan anchor biosynthesis class B; plus strand). Cytogenetic location: 15q21.3.
Variant type: single nucleotide variant.
Coding change: c.1504A>G on transcript NM_004855.5 (MANE Select); coding-DNA position 1504, A replaced by G.
Protein change: p.Ser502Gly; replaces serine 502 with glycine.
Molecular consequence: missense variant.
Genome position (GRCh38, 1-based): chr15:55,354,964, A>G. VCF-style: chr15-55354964-A-G. GRCh37 (hg19) VCF-style: chr15-55647162-A-G.
Other names: c.1504A>G (NM_004855.4); short protein forms S502G.
Identifiers: ClinVar variation 1600380 (VCV001600380.34), dbSNP rs652397, ClinGen allele CA7574109.